The following is an entry in ClinVar:

ClinVar aggregate classification (germline): Uncertain significance (1 of 4 stars; one submission).

Submission:

Labcorp Genetics (formerly Invitae), Labcorp
Classification: Uncertain significance. Last evaluated: 2025-04-07. Review status: criteria provided, single submitter. Criteria: Invitae Variant Classification Sherloc (09022015). Collection method: clinical testing. Allele origin: germline.
Comment: This sequence change creates a premature translational stop signal (p.Arg770Cysfs*11) in the IFT88 gene. While this is not anticipated to result in nonsense mediated decay, it is expected to disrupt the last 64 amino acid(s) of the IFT88 protein. This variant is not present in population databases (gnomAD no frequency). This variant has not been reported in the literature in individuals affected with IFT88-related conditions. Experimental studies and prediction algorithms are not available or were not evaluated, and the functional significance of this variant is currently unknown. Algorithms developed to predict the effect of sequence changes on RNA splicing suggest that this variant may disrupt the consensus splice site. In summary, the available evidence is currently insufficient to determine the role of this variant in disease. Therefore, it has been classified as a Variant of Uncertain Significance.

NM_006531.5(IFT88):c.2280_2287del (p.Arg761fs)

Gene: IFT88 (intraflagellar transport 88; plus strand). Cytogenetic location: 13q12.11.
Variant type: Deletion.
Coding change: c.2280_2287del on transcript NM_006531.5 (MANE Select); coding-DNA positions 2280 to 2287, 8 bases deleted (ACGACTAA; older notation c.2280_2287delACGACTAA).
Protein change: p.Arg761fs; shifts the reading frame from arginine 761.
Molecular consequence: frameshift variant. On other transcripts: non-coding transcript variant (4), intron variant (5).
Genome position (GRCh38, 1-based): chr13:20,690,742-20,690,749, ACGACTAA deleted; deleting any 8 consecutive bases within chr13:20,690,741-20,690,749 gives the same sequence; the c. name uses the placement nearest the transcript's 3' end. VCF-style (leftmost placement, unchanged base first): chr13-20690740-GAACGACTA-G. GRCh37 (hg19) VCF-style: chr13-21264879-GAACGACTA-G.
Other names: c.2223_2230del, p.Arg742fs (NM_001318491.2); c.2307_2314del, p.Arg770fs (NM_001318493.2, NM_001353565.2, NM_001353566.2 and 2 more transcripts); c.2280_2287del, p.Arg761fs (NM_001353568.2); c.2205_2212del, p.Arg736fs (NM_001353569.2, NM_001353570.2); c.2178_2185del, p.Arg727fs (NM_001353571.2); c.2136_2143del, p.Arg713fs (NM_001353573.2); c.2121_2128del, p.Arg708fs (NM_001353574.2); c.1647_1654del, p.Arg550fs (NM_001353579.2); and 4 more; short protein forms R550fs, R713fs, R770fs, R727fs, R736fs, R761fs, R708fs, R742fs.
Identifiers: ClinVar variation 4779001 (VCV004779001.1).
Genomic context (GRCh38, chr13:20,690,740, plus strand): 5'-TGCATTTTTATTTTCGTGTTTTCAGATAGTGGCCAGAACTATAGTGCCAGTAGTAAAGGT[GAACGACTA>G]AGTGCCAGACTCAGAGCTTTACCTGGGACAAATGAACCTTATGAAAGTAGCAGTAACAAA-3'